The following is an entry in ClinVar:

NM_017449.5(EPHB2):c.1788C>T (p.Tyr596=)

Gene: EPHB2 (EPH receptor B2; plus strand). Cytogenetic location: 1p36.12.
Variant type: single nucleotide variant.
Coding change: c.1788C>T on transcript NM_017449.5 (MANE Select); coding-DNA position 1788, C replaced by T.
Protein change: p.Tyr596=; no amino-acid change (tyrosine 596 retained).
Molecular consequence: synonymous variant.
Genome position (GRCh38, 1-based): chr1:22,906,009, C>T. VCF-style: chr1-22906009-C-T. GRCh37 (hg19) VCF-style: chr1-23232502-C-T.
Other names: c.1614C>T, p.Tyr538= (NM_001309192.2); c.1788C>T, p.Tyr596= (NM_001309193.2); c.1791C>T, p.Tyr597= (NM_004442.7).
Identifiers: ClinVar variation 3033967 (VCV003033967.2), dbSNP rs142696573, ClinGen allele CA678805.

ClinVar aggregate classification (germline): Likely benign (0 of 4 stars; one submission).

Conditions:
EPHB2-related disorder. Also called: EPHB2-related condition.

Allele frequency attached by ClinVar (database versions not stated): ExAC 0.00002; gnomAD exomes 0.00002; ESP Exome Variant Server 0.00008; gnomAD 0.00013; TOPMed 0.00031.
gnomAD v4.1: 51 of 1,614,098 alleles (0.0032%); highest among the groups gnomAD compares: Admixed American, 0.058%; no homozygotes.

Submission:

PreventionGenetics, part of Exact Sciences
Classification: Likely benign for EPHB2-related condition. Last evaluated: 2019-06-19. Review status: no assertion criteria provided. Collection method: clinical testing. Allele origin: germline.
Comment: This variant is classified as likely benign based on ACMG/AMP sequence variant interpretation guidelines (Richards et al. 2015 PMID: 25741868, with internal and published modifications).